The following is an entry in ClinVar:

NM_020549.5(CHAT):c.1668C>T (p.Ser556=)

Gene: CHAT (choline O-acetyltransferase; plus strand). Cytogenetic location: 10q11.23.
Variant type: single nucleotide variant.
Coding change: c.1668C>T on transcript NM_020549.5 (MANE Select); coding-DNA position 1668, C replaced by T.
Protein change: p.Ser556=; no amino-acid change (serine 556 retained).
Molecular consequence: synonymous variant.
Genome position (GRCh38, 1-based): chr10:49,655,128, C>T. VCF-style: chr10-49655128-C-T. GRCh37 (hg19) VCF-style: chr10-50863174-C-T.
Other names: c.1314C>T, p.Ser438= (NM_001142929.2, NM_001142934.2, NM_020984.4 and 2 more transcripts); c.1422C>T, p.Ser474= (NM_001142933.2).
Identifiers: ClinVar variation 285107 (VCV000285107.12), dbSNP rs55702495, ClinGen allele CA5497590.

ClinVar aggregate classification (germline): Conflicting classifications of pathogenicity. Review status: criteria provided, conflicting classifications (1 of 4 stars). 2 submissions from 2 submitters: Uncertain significance (1); Likely benign (1). Last evaluated 2025-12-22.

Conditions:
Familial infantile myasthenia (CMS6). Also called: MYASTHENIC SYNDROME, CONGENITAL, 6, PRESYNAPTIC; Congenital myasthenic syndrome type 6; MYASTHENIC SYNDROME, PRESYNAPTIC, CONGENITAL, ASSOCIATED WITH EPISODIC APNEA. Identifiers: Orphanet 590, MedGen C0393929, MONDO:0009689, OMIM 254210.

Allele frequency attached by ClinVar (database versions not stated): gnomAD 0.00003 and 0.00004; ExAC 0.00005; gnomAD exomes 0.00005; TOPMed 0.00007.
gnomAD v4.1: 31 of 1,614,004 alleles (0.0019%); highest among the groups gnomAD compares: Admixed American, 0.025%; no homozygotes.

Submissions (2):

Labcorp Genetics (formerly Invitae), Labcorp
Classification: Likely benign for Familial infantile myasthenia. Last evaluated: 2025-12-22. Review status: criteria provided, single submitter. Criteria: Invitae Variant Classification Sherloc (09022015). Collection method: clinical testing. Allele origin: germline.

Eurofins Ntd Llc (ga)
Classification: Uncertain significance. Last evaluated: 2015-12-09. Review status: criteria provided, single submitter. Criteria: EGL Classification Definitions 2015. Collection method: clinical testing. Allele origin: germline. Observed: 1 variant allele, 1 heterozygote.